The following is an entry in ClinVar:

ClinVar aggregate classification (germline): Uncertain significance (1 of 4 stars; one submission).

Conditions:
Inborn genetic diseases. Identifiers: MedGen C0950123, MeSH D030342.

Submission:

Ambry Genetics
Classification: Uncertain significance for Inborn genetic diseases. Last evaluated: 2024-01-20. Review status: criteria provided, single submitter. Criteria: Ambry Variant Classification Scheme 2023. Collection method: clinical testing. Allele origin: germline.
Comment: The p.L442F variant (also known as c.1326G>T), located in coding exon 10 of the EPAS1 gene, results from a G to T substitution at nucleotide position 1326. The leucine at codon 442 is replaced by phenylalanine, an amino acid with highly similar properties. This amino acid position is conserved. In addition, this alteration is predicted to be tolerated by in silico analysis. Based on the available evidence, the clinical significance of this alteration remains unclear.

NM_001430.5(EPAS1):c.1326G>T (p.Leu442Phe)

Gene: EPAS1 (endothelial PAS domain protein 1; plus strand). Cytogenetic location: 2p21.
Variant type: single nucleotide variant.
Coding change: c.1326G>T on transcript NM_001430.5 (MANE Select); coding-DNA position 1326, G replaced by T.
Protein change: p.Leu442Phe; replaces leucine 442 with phenylalanine.
Molecular consequence: missense variant.
Genome position (GRCh38, 1-based): chr2:46,377,970, G>T. VCF-style: chr2-46377970-G-T. GRCh37 (hg19) VCF-style: chr2-46605109-G-T.
Other names: short protein forms L442F.
Identifiers: ClinVar variation 3221538 (VCV003221538.1), dbSNP rs2546473508, ClinGen allele CA346703823.